The following is an entry in ClinVar:

ClinVar aggregate classification (germline): Uncertain significance (1 of 4 stars; one submission).

Conditions:
Hyperkalemic periodic paralysis. Also called: Familial hyperkalemic periodic paralysis; Gamstorp disease. Identifiers: Orphanet 682, MedGen C0238357, MONDO:0008224, OMIM 170500, HP:0007215.

Allele frequency attached by ClinVar (database versions not stated): gnomAD exomes below 0.00001; TOPMed 0.00001.
gnomAD v4.1: 5 of 1,613,362 alleles (0.00031%); highest among the groups gnomAD compares: Non-Finnish European, 0.00034%; no homozygotes.

Submission:

Labcorp Genetics (formerly Invitae), Labcorp
Classification: Uncertain significance for Hyperkalemic periodic paralysis. Last evaluated: 2020-01-06. Review status: criteria provided, single submitter. Criteria: Invitae Variant Classification Sherloc (09022015). Collection method: clinical testing. Allele origin: germline.
Comment: This variant has not been reported in the literature in individuals with SCN4A-related conditions. Algorithms developed to predict the effect of missense changes on protein structure and function (SIFT, PolyPhen-2, Align-GVGD) all suggest that this variant is likely to be disruptive, but these predictions have not been confirmed by published functional studies and their clinical significance is uncertain. In summary, the available evidence is currently insufficient to determine the role of this variant in disease. Therefore, it has been classified as a Variant of Uncertain Significance. This sequence change replaces phenylalanine with valine at codon 1285 of the SCN4A protein (p.Phe1285Val). The phenylalanine residue is highly conserved and there is a small physicochemical difference between phenylalanine and valine. This variant is not present in population databases (ExAC no frequency).

NM_000334.4(SCN4A):c.3853T>G (p.Phe1285Val)

Genes: GH-LCR (growth hormone locus control region; plus strand), SCN4A (sodium voltage-gated channel alpha subunit 4; minus strand). Cytogenetic location: 17q23.3.
Variant type: single nucleotide variant.
Coding change: c.3853T>G on transcript NM_000334.4 (MANE Select); coding-DNA position 3853, T replaced by G.
Protein change: p.Phe1285Val; replaces phenylalanine 1285 with valine.
Molecular consequence: missense variant.
Genome position (GRCh38, 1-based): chr17:63,944,732, A>C on the plus strand (T>G on the coding strand, the complement: SCN4A is on the minus strand). VCF-style: chr17-63944732-A-C. GRCh37 (hg19) VCF-style: chr17-62022092-A-C.
Other names: short protein forms F1285V.
Identifiers: ClinVar variation 1011571 (VCV001011571.9), dbSNP rs373730802, ClinGen allele CA400617339.